The following is an entry in ClinVar:

ClinVar aggregate classification (germline): Uncertain significance (1 of 4 stars; one submission).

Conditions:
Emery-Dreifuss muscular dystrophy 5, autosomal dominant (EDMD5). Also called: EMERY-DREIFUSS MUSCULAR DYSTROPHY 5. Identifiers: Orphanet 261, MedGen C2751805, MONDO:0013072, OMIM 612999.

Allele frequency attached by ClinVar (database versions not stated): ExAC 0.00003; gnomAD exomes 0.00003 and 0.00005; gnomAD 0.00004 and 0.00005; TOPMed 0.00009; ESP Exome Variant Server 0.00015; 1000 Genomes Project 30x 0.00031.
gnomAD v4.1: 46 of 1,613,946 alleles (0.0029%); highest among the groups gnomAD compares: South Asian, 0.018%; no homozygotes.

Submission:

Labcorp Genetics (formerly Invitae), Labcorp
Classification: Uncertain significance for Emery-Dreifuss muscular dystrophy 5, autosomal dominant. Last evaluated: 2025-04-28. Review status: criteria provided, single submitter. Criteria: Invitae Variant Classification Sherloc (09022015). Collection method: clinical testing. Allele origin: germline.
Comment: This sequence change replaces glycine, which is neutral and non-polar, with serine, which is neutral and polar, at codon 5342 of the SYNE2 protein (p.Gly5342Ser). This variant is present in population databases (rs34541826, gnomAD 0.02%). This variant has not been reported in the literature in individuals affected with SYNE2-related conditions. ClinVar contains an entry for this variant (Variation ID: 846078). An algorithm developed to predict the effect of missense changes on protein structure and function outputs the following: PolyPhen-2: "Benign". The serine amino acid residue is found in multiple mammalian species, which suggests that this missense change does not adversely affect protein function. In summary, the available evidence is currently insufficient to determine the role of this variant in disease. Therefore, it has been classified as a Variant of Uncertain Significance.

NM_182914.3(SYNE2):c.16024G>A (p.Gly5342Ser)

Gene: SYNE2 (spectrin repeat containing nuclear envelope protein 2; plus strand). Cytogenetic location: 14q23.2.
Variant type: single nucleotide variant.
Coding change: c.16024G>A on transcript NM_182914.3 (MANE Select); coding-DNA position 16024, G replaced by A.
Protein change: p.Gly5342Ser; replaces glycine 5342 with serine.
Molecular consequence: missense variant.
Genome position (GRCh38, 1-based): chr14:64,159,372, G>A. VCF-style: chr14-64159372-G-A. GRCh37 (hg19) VCF-style: chr14-64626090-G-A.
Other names: c.16024G>A, p.Gly5342Ser (NM_015180.6); short protein forms G5342S.
Identifiers: ClinVar variation 846078 (VCV000846078.10), dbSNP rs34541826, ClinGen allele CA7223241.
Genomic context (GRCh38, chr14:64,159,372, plus strand): 5'-TCTCTGCAAGATGAAGCTGAGAGCAGTGAAGGGAGTTGGGAGAAACTCCAGGAGGTTATC[G>A]GCAAACTCAAAGGTCTCTGCCCCTCTGTTGCTGAAATAATCGAAGAGAAATGCCAAAATA-3'
Protein context (NP_878918.2, residues 5332-5352): GSWEKLQEVI[Gly5342Ser]KLKGLCPSVA